The following is an entry in ClinVar:

ClinVar aggregate classification (germline): Likely benign (1 of 4 stars; one submission).

Conditions:
KMT2D-related disorder. Also called: KMT2D-Related Disorders.

gnomAD v4.1: 4 of 1,612,556 alleles (0.00025%); highest among the groups gnomAD compares: African/African-American, 0.004%; no homozygotes.

Submission:

PreventionGenetics, part of Exact Sciences
Classification: Likely benign for KMT2D-related condition. Last evaluated: 2025-01-10. Review status: criteria provided, single submitter. Criteria: ACMG Guidelines, 2015. Collection method: clinical testing. Allele origin: germline.
Comment: This variant is classified as likely benign based on ACMG/AMP sequence variant interpretation guidelines (Richards et al. 2015 PMID: 25741868, with internal and published modifications).

NM_003482.4(KMT2D):c.4419-7C>T

Gene: KMT2D (lysine methyltransferase 2D; minus strand). Cytogenetic location: 12q13.12.
Variant type: single nucleotide variant.
Coding change: c.4419-7C>T on transcript NM_003482.4 (MANE Select); 7 bases into the intron before coding-DNA position 4419, C replaced by T.
Molecular consequence: intron variant.
Genome position (GRCh38, 1-based): chr12:49,046,431, G>A on the plus strand (C>T on the coding strand, the complement: KMT2D is on the minus strand). VCF-style: chr12-49046431-G-A. GRCh37 (hg19) VCF-style: chr12-49440214-G-A.
Identifiers: ClinVar variation 4987354 (VCV004987354.1).